The following is an entry in ClinVar:

NM_000204.5(CFI):c.730A>G (p.Ile244Val)

Gene: CFI (complement factor I; minus strand). Cytogenetic location: 4q25.
Variant type: single nucleotide variant.
Coding change: c.730A>G on transcript NM_000204.5 (MANE Select); coding-DNA position 730, A replaced by G.
Protein change: p.Ile244Val; replaces isoleucine 244 with valine.
Molecular consequence: missense variant. On other transcripts: non-coding transcript variant (3).
Genome position (GRCh38, 1-based): chr4:109,760,565, T>C on the plus strand (A>G on the coding strand, the complement: CFI is on the minus strand). VCF-style: chr4-109760565-T-C. GRCh37 (hg19) VCF-style: chr4-110681721-T-C.
Other names: c.121A>G, p.Ile41Val (NM_001375284.1); c.730A>G, p.Ile244Val (NM_001318057.2, NM_001331035.2, NM_001375278.1 and 5 more transcripts); short protein forms I244V, I41V.
Identifiers: ClinVar variation 3613462 (VCV003613462.2).
Genomic context (GRCh38, chr4:109,760,565, plus strand): 5'-GGCTAGATTTATGTCTACCTTTACAACACAGTTCATCACTTTGGTCTCCACAATCATTGA[T>C]ACCATCACAGGCTTTCATCTGAGAAATGTATTTCCCATTCACACACTGAAAGAAGTCATC-3'
Protein context (NP_000195.3, residues 234-254): YISQMKACDG[Ile244Val]NDCGDQSDEL

ClinVar aggregate classification (germline): Uncertain significance (1 of 4 stars; one submission).

Submission:

Labcorp Genetics (formerly Invitae), Labcorp
Classification: Uncertain significance. Last evaluated: 2025-02-17. Review status: criteria provided, single submitter. Criteria: Invitae Variant Classification Sherloc (09022015). Collection method: clinical testing. Allele origin: germline.
Comment: This sequence change replaces isoleucine, which is neutral and non-polar, with valine, which is neutral and non-polar, at codon 244 of the CFI protein (p.Ile244Val). This variant is present in population databases (rs201442703, gnomAD 0.006%). This variant has not been reported in the literature in individuals affected with CFI-related conditions. Invitae Evidence Modeling of protein sequence and biophysical properties (such as structural, functional, and spatial information, amino acid conservation, physicochemical variation, residue mobility, and thermodynamic stability) indicates that this missense variant is not expected to disrupt CFI protein function with a negative predictive value of 80%. In summary, the available evidence is currently insufficient to determine the role of this variant in disease. Therefore, it has been classified as a Variant of Uncertain Significance.